The following is an entry in ClinVar:

NM_012414.4(RAB3GAP2):c.304+15A>G

Gene: RAB3GAP2 (RAB3 GTPase activating non-catalytic protein subunit 2; minus strand). Cytogenetic location: 1q41.
Variant type: single nucleotide variant.
Coding change: c.304+15A>G on transcript NM_012414.4 (MANE Select); 15 bases into the intron after coding-DNA position 304, A replaced by G.
Molecular consequence: intron variant.
Genome position (GRCh38, 1-based): chr1:220,213,841, T>C on the plus strand (A>G on the coding strand, the complement: RAB3GAP2 is on the minus strand). VCF-style: chr1-220213841-T-C. GRCh37 (hg19) VCF-style: chr1-220387183-T-C.
Other names: c.304+15A>G (NM_012414.3).
Identifiers: ClinVar variation 2067114 (VCV002067114.6), dbSNP rs771063121, ClinGen allele CA1403071.

ClinVar aggregate classification (germline): Likely benign. Review status: criteria provided, single submitter (1 of 4 stars). 2 submissions from 2 submitters: Likely benign (1). 1 of the submissions does not count toward it. Last evaluated 2022-05-05.

Conditions:
RAB3GAP2-related disorder. Also called: RAB3GAP2-related condition; RAB3GAP2-related disorders.
Martsolf syndrome (MARTS). Also called: Congenital cataract with intellectual disability and hypogonadotropic hypogonadism syndrome. Identifiers: Orphanet 1387, MedGen C0796037, MONDO:0023910.
Warburg micro syndrome 2 (WARBM2). Also called: MICRO SYNDROME 2. Identifiers: Orphanet 2510, MedGen C3280214, MONDO:0013641, OMIM 614225.

Allele frequency attached by ClinVar (database versions not stated): ExAC 0.00001; gnomAD 0.00001; gnomAD exomes 0.00002; TOPMed 0.00002.
gnomAD v4.1: 29 of 1,610,166 alleles (0.0018%); highest among the groups gnomAD compares: African/African-American, 0.0027%; no homozygotes.

Submissions (2):

Labcorp Genetics (formerly Invitae), Labcorp
Classification: Likely benign for Martsolf syndrome; Warburg micro syndrome 2. Last evaluated: 2022-05-05. Review status: criteria provided, single submitter. Criteria: Invitae Variant Classification Sherloc (09022015). Collection method: clinical testing. Allele origin: germline.

PreventionGenetics, part of Exact Sciences
Classification: Likely benign for RAB3GAP2-related condition. Last evaluated: 2021-12-29. Review status: no assertion criteria provided. Collection method: clinical testing. Allele origin: germline. Not counted in ClinVar's aggregate classification.
Comment: This variant is classified as likely benign based on ACMG/AMP sequence variant interpretation guidelines (Richards et al. 2015 PMID: 25741868, with internal and published modifications).